The following is an entry in ClinVar:

NM_177438.3(DICER1):c.1979A>T (p.Asp660Val)

Gene: DICER1 (dicer 1, ribonuclease III; minus strand). Cytogenetic location: 14q32.13.
Variant type: single nucleotide variant.
Coding change: c.1979A>T on transcript NM_177438.3 (MANE Select); coding-DNA position 1979, A replaced by T.
Protein change: p.Asp660Val; replaces aspartic acid 660 with valine.
Molecular consequence: missense variant. On other transcripts: non-coding transcript variant (6).
Genome position (GRCh38, 1-based): chr14:95,113,153, T>A on the plus strand (A>T on the coding strand, the complement: DICER1 is on the minus strand). VCF-style: chr14-95113153-T-A. GRCh37 (hg19) VCF-style: chr14-95579490-T-A.
Other names: c.1979A>T, p.Asp660Val (NM_001195573.1, NM_001271282.3, NM_001291628.2 and 12 more transcripts); c.1697A>T, p.Asp566Val (NM_001395686.1); c.1574A>T, p.Asp525Val (NM_001395687.1, NM_001395688.1, NM_001395689.1 and 3 more transcripts); c.1412A>T, p.Asp471Val (NM_001395691.1); c.296A>T, p.Asp99Val (NM_001395697.1); short protein forms D471V, D566V, D525V, D99V, D660V.
Identifiers: ClinVar variation 3501816 (VCV003501816.1).

ClinVar aggregate classification (germline): Uncertain significance (1 of 4 stars; one submission).

Conditions:
Hereditary cancer-predisposing syndrome. Also called: Tumor predisposition; Neoplastic Syndromes, Hereditary; Hereditary Cancer Syndrome; Hereditary neoplastic syndrome. Identifiers: Orphanet 140162, MedGen C0027672, MeSH D009386, MONDO:0015356.

Submission:

Ambry Genetics
Classification: Uncertain significance for Hereditary cancer-predisposing syndrome. Last evaluated: 2024-10-11. Review status: criteria provided, single submitter. Criteria: Ambry Variant Classification Scheme 2023. Collection method: clinical testing. Allele origin: germline.
Comment: The p.D660V variant (also known as c.1979A>T), located in coding exon 11 of the DICER1 gene, results from an A to T substitution at nucleotide position 1979. The aspartic acid at codon 660 is replaced by valine, an amino acid with highly dissimilar properties. This amino acid position is conserved. In addition, the in silico prediction for this alteration is inconclusive. Based on the available evidence, the clinical significance of this variant remains unclear.